The following is an entry in ClinVar:

NM_002582.4(PARN):c.1511A>G (p.Tyr504Cys)

Gene: PARN (poly(A)-specific ribonuclease; minus strand). Cytogenetic location: 16p13.12.
Variant type: single nucleotide variant.
Coding change: c.1511A>G on transcript NM_002582.4 (MANE Select); coding-DNA position 1511, A replaced by G.
Protein change: p.Tyr504Cys; replaces tyrosine 504 with cysteine.
Molecular consequence: missense variant.
Genome position (GRCh38, 1-based): chr16:14,482,797, T>C on the plus strand (A>G on the coding strand, the complement: PARN is on the minus strand). VCF-style: chr16-14482797-T-C. GRCh37 (hg19) VCF-style: chr16-14576654-T-C.
Other names: c.1328A>G, p.Tyr443Cys (NM_001134477.3); c.1373A>G, p.Tyr458Cys (NM_001242992.2); short protein forms Y443C, Y504C, Y458C.
Identifiers: ClinVar variation 1431130 (VCV001431130.10), dbSNP rs1181154287, ClinGen allele CA395183663.

ClinVar aggregate classification (germline): Uncertain significance (1 of 4 stars; one submission).

Conditions:
Dyskeratosis congenita, autosomal recessive 6 (DKCB6). Identifiers: MedGen C4225356, MONDO:0014600, OMIM 616353.
Pulmonary fibrosis and/or bone marrow failure, Telomere-related, 4. Also called: PULMONARY FIBROSIS AND/OR BONE MARROW FAILURE SYNDROME, TELOMERE-RELATED, 4. Identifiers: Orphanet 2032, MedGen C4225347, MONDO:0014612, OMIM 616371.

Submission:

Labcorp Genetics (formerly Invitae), Labcorp
Classification: Uncertain significance for Dyskeratosis congenita, autosomal recessive 6; Pulmonary fibrosis and/or bone marrow failure, Telomere-related, 4. Last evaluated: 2021-08-05. Review status: criteria provided, single submitter. Criteria: Invitae Variant Classification Sherloc (09022015). Collection method: clinical testing. Allele origin: germline.
Comment: This sequence change replaces tyrosine with cysteine at codon 504 of the PARN protein (p.Tyr504Cys). The tyrosine residue is highly conserved and there is a large physicochemical difference between tyrosine and cysteine. This variant is not present in population databases (ExAC no frequency). This variant has not been reported in the literature in individuals affected with PARN-related conditions. Algorithms developed to predict the effect of missense changes on protein structure and function (SIFT, PolyPhen-2, Align-GVGD) all suggest that this variant is likely to be tolerated. In summary, the available evidence is currently insufficient to determine the role of this variant in disease. Therefore, it has been classified as a Variant of Uncertain Significance.